The following is an entry in ClinVar:

ClinVar aggregate classification (germline): Uncertain significance. Review status: criteria provided, multiple submitters, no conflicts (2 of 4 stars). 2 submissions from 2 submitters: Uncertain significance (2). Last evaluated 2025-11-24.

Allele frequency attached by ClinVar (database versions not stated): TOPMed below 0.00001; gnomAD exomes below 0.00001.
gnomAD v4.1: 2 of 1,606,140 alleles (0.00012%); highest among the groups gnomAD compares: Non-Finnish European, 0.00017%; no homozygotes.

Submissions (2):

Ambry Genetics
Classification: Uncertain significance. Last evaluated: 2025-11-24. Review status: criteria provided, single submitter. Criteria: Ambry Variant Classification Scheme 2023. Collection method: clinical testing. Allele origin: germline.

GeneDx
Classification: Uncertain significance. Last evaluated: 2022-08-12. Review status: criteria provided, single submitter. Criteria: GeneDx Variant Classification Process June 2021. Collection method: clinical testing. Allele origin: germline. Affected: yes.
Comment: Not observed at significant frequency in large population cohorts (gnomAD); In silico analysis supports that this missense variant does not alter protein structure/function; Has not been previously published as pathogenic or benign to our knowledge

NM_001270.4(CHD1):c.2455A>G (p.Ile819Val)

Gene: CHD1 (chromodomain helicase DNA binding protein 1; minus strand). Cytogenetic location: 5q15.
Variant type: single nucleotide variant.
Coding change: c.2455A>G on transcript NM_001270.4 (MANE Select); coding-DNA position 2455, A replaced by G.
Protein change: p.Ile819Val; replaces isoleucine 819 with valine.
Molecular consequence: missense variant. On other transcripts: non-coding transcript variant (2).
Genome position (GRCh38, 1-based): chr5:98,888,129, T>C on the plus strand (A>G on the coding strand, the complement: CHD1 is on the minus strand). VCF-style: chr5-98888129-T-C. GRCh37 (hg19) VCF-style: chr5-98223833-T-C.
Other names: c.2455A>G, p.Ile819Val (NM_001364113.3, NM_001376194.2); short protein forms I819V.
Identifiers: ClinVar variation 2429667 (VCV002429667.2), dbSNP rs1750775866, ClinGen allele CA360513710.
Genomic context (GRCh38, chr5:98,888,129, plus strand): 5'-AATACAATTAAATGCTTACTTGAAAGGGGAATTGACGATATTTCAAATATTCTGCAAGTA[T>C]ATCTAACATCCGCACCATTTGTGAAAAAATAAGAACTCGATTGCCTCGTTCTCTTAGGCG-3'
Protein context (NP_001261.2, residues 809-829): IFSQMVRMLD[Ile819Val]LAEYLKYRQF